The following is an entry in ClinVar:

NM_001379500.1(COL18A1):c.623C>T (p.Ala208Val)

Gene: COL18A1 (collagen type XVIII alpha 1 chain; plus strand). Cytogenetic location: 21q22.3.
Variant type: single nucleotide variant.
Coding change: c.623C>T on transcript NM_001379500.1 (MANE Select); coding-DNA position 623, C replaced by T.
Protein change: p.Ala208Val; replaces alanine 208 with valine.
Molecular consequence: missense variant.
Genome position (GRCh38, 1-based): chr21:45,468,758, C>T. VCF-style: chr21-45468758-C-T. GRCh37 (hg19) VCF-style: chr21-46888672-C-T.
Other names: NM_130445.2:c.623C>T; c.1163C>T, p.Ala388Val (NM_030582.4); c.1868C>T, p.Ala623Val (NM_130444.3); short protein forms A208V, A388V, A623V.
Identifiers: ClinVar variation 1306397 (VCV001306397.6), dbSNP rs773440175, ClinGen allele CA10065802.

ClinVar aggregate classification (germline): Uncertain significance. Review status: criteria provided, multiple submitters, no conflicts (2 of 4 stars). 3 submissions from 3 submitters: Uncertain significance (3). Last evaluated 2025-04-17.

Conditions:
Inborn genetic diseases. Identifiers: MedGen C0950123, MeSH D030342.

Allele frequency attached by ClinVar (database versions not stated): TOPMed below 0.00001.
gnomAD v4.1: 8 of 1,406,848 alleles (0.00057%); highest among the groups gnomAD compares: South Asian, 0.0034%; no homozygotes.

Submissions (3):

Labcorp Genetics (formerly Invitae), Labcorp
Classification: Uncertain significance. Last evaluated: 2025-04-17. Review status: criteria provided, single submitter. Criteria: Invitae Variant Classification Sherloc (09022015). Collection method: clinical testing. Allele origin: germline.
Comment: This sequence change replaces alanine, which is neutral and non-polar, with valine, which is neutral and non-polar, at codon 208 of the COL18A1 protein (p.Ala208Val). The frequency data for this variant in the population databases is considered unreliable, as metrics indicate poor data quality at this position in the gnomAD database. This variant has not been reported in the literature in individuals affected with COL18A1-related conditions. ClinVar contains an entry for this variant (Variation ID: 1306397). Experimental studies and prediction algorithms are not available or were not evaluated, and the functional significance of this variant is currently unknown. In summary, the available evidence is currently insufficient to determine the role of this variant in disease. Therefore, it has been classified as a Variant of Uncertain Significance.

Ambry Genetics
Classification: Uncertain significance for Inborn genetic diseases. Last evaluated: 2025-01-27. Review status: criteria provided, single submitter. Criteria: Ambry Variant Classification Scheme 2023. Collection method: clinical testing. Allele origin: germline.

GeneDx
Classification: Uncertain significance. Last evaluated: 2019-06-15. Review status: criteria provided, single submitter. Criteria: GeneDx Variant Classification Process June 2021. Collection method: clinical testing. Allele origin: germline. Affected: yes.
Comment: Has not been previously published as pathogenic or benign to our knowledge; In silico analysis, which includes protein predictors and evolutionary conservation, supports a deleterious effect; In addition, in silico splice predictors suggest this variant may lead to abnormal gene splicing